The following is an entry in ClinVar:

NM_016222.4(DDX41):c.690C>G (p.Gly230=)

Gene: DDX41 (DEAD-box helicase 41; minus strand). Cytogenetic location: 5q35.3.
Variant type: single nucleotide variant.
Coding change: c.690C>G on transcript NM_016222.4 (MANE Select); coding-DNA position 690, C replaced by G.
Protein change: p.Gly230=; no amino-acid change (glycine 230 retained).
Molecular consequence: synonymous variant.
Genome position (GRCh38, 1-based): chr5:177,515,024, G>C on the plus strand (C>G on the coding strand, the complement: DDX41 is on the minus strand). VCF-style: chr5-177515024-G-C. GRCh37 (hg19) VCF-style: chr5-176942025-G-C.
Other names: c.690C>G (NM_016222.3); c.312C>G, p.Gly104= (NM_001321732.2, NM_001321830.2).
Identifiers: ClinVar variation 1337082 (VCV001337082.10), dbSNP rs144003034, ClinGen allele CA3585055.

ClinVar aggregate classification (germline): Likely benign. Review status: criteria provided, multiple submitters, no conflicts (2 of 4 stars). 4 submissions from 4 submitters: Likely benign (3). 1 of the submissions does not count toward it. Last evaluated 2024-11-26.

Conditions:
Inborn genetic diseases. Identifiers: MedGen C0950123, MeSH D030342.
DDX41-related disorder. Also called: DDX41-related condition.

Allele frequency attached by ClinVar (database versions not stated): gnomAD exomes 0.00002; ExAC 0.00003; gnomAD 0.00009; TOPMed 0.00009; 1000 Genomes Project 30x 0.00016; 1000 Genomes Project 0.00020; ESP Exome Variant Server 0.00031.
gnomAD v4.1: 21 of 1,613,712 alleles (0.0013%); highest among the groups gnomAD compares: African/African-American, 0.024%; no homozygotes.

Submissions (4):

Ambry Genetics
Classification: Likely benign for Inborn genetic diseases. Last evaluated: 2024-11-26. Review status: criteria provided, single submitter. Criteria: Ambry Variant Classification Scheme 2023. Collection method: clinical testing. Allele origin: germline.

Labcorp Genetics (formerly Invitae), Labcorp
Classification: Likely benign. Last evaluated: 2024-07-11. Review status: criteria provided, single submitter. Criteria: Invitae Variant Classification Sherloc (09022015). Collection method: clinical testing. Allele origin: germline.

Genetic Services Laboratory, University of Chicago
Classification: Likely benign. Last evaluated: 2019-03-28. Review status: criteria provided, single submitter. Criteria: ACMG Guidelines, 2015. Collection method: clinical testing. Allele origin: germline. Affected: no.

PreventionGenetics, part of Exact Sciences
Classification: Likely benign for DDX41-related condition. Last evaluated: 2022-09-15. Review status: no assertion criteria provided. Collection method: clinical testing. Allele origin: germline. Not counted in ClinVar's aggregate classification.
Comment: This variant is classified as likely benign based on ACMG/AMP sequence variant interpretation guidelines (Richards et al. 2015 PMID: 25741868, with internal and published modifications).